The following is an entry in ClinVar:

ClinVar aggregate classification (germline): Uncertain significance (1 of 4 stars; one submission).

Conditions:
Congenital myasthenic syndrome 5. Identifiers: Orphanet 590, MedGen C1864233, MONDO:0011281, OMIM 603034.

Submission:

Labcorp Genetics (formerly Invitae), Labcorp
Classification: Uncertain significance for Congenital myasthenic syndrome 5. Last evaluated: 2022-08-22. Review status: criteria provided, single submitter. Criteria: Invitae Variant Classification Sherloc (09022015). Collection method: clinical testing. Allele origin: germline.
Comment: A copy number gain of the genomic region encompassing the full coding sequence of the COLQ gene has been identified. The boundaries of this event are unknown as they extend beyond the assayed region for this gene and therefore may encompass additional genes. As the precise location of this event is unknown, it may be in tandem or it may be located elsewhere in the genome. This variant has not been reported in the literature in individuals affected with COLQ-related conditions. In summary, the available evidence is currently insufficient to determine the role of this variant in disease. Therefore, it has been classified as a Variant of Uncertain Significance.

NC_000003.11:g.(?_15493151)_(15563132_?)dup

Gene: COLQ (collagen like tail subunit of asymmetric acetylcholinesterase; minus strand). Cytogenetic location: 3p25.1.
Variant type: Duplication.
Identifiers: ClinVar variation 2425396 (VCV002425396.3).